The following is an entry in ClinVar:

NM_030777.4(SLC2A10):c.195T>A (p.Gly65=)

Gene: SLC2A10 (solute carrier family 2 member 10; plus strand). Cytogenetic location: 20q13.12.
Variant type: single nucleotide variant.
Coding change: c.195T>A on transcript NM_030777.4 (MANE Select); coding-DNA position 195, T replaced by A.
Protein change: p.Gly65=; no amino-acid change (glycine 65 retained).
Molecular consequence: synonymous variant.
Genome position (GRCh38, 1-based): chr20:46,725,231, T>A. VCF-style: chr20-46725231-T-A. GRCh37 (hg19) VCF-style: chr20-45353870-T-A.
Identifiers: ClinVar variation 681988 (VCV000681988.7), dbSNP rs1002286842, ClinGen allele CA315755276.

ClinVar aggregate classification (germline): Likely benign. Review status: criteria provided, multiple submitters, no conflicts (2 of 4 stars). 3 submissions from 3 submitters: Likely benign (3). Last evaluated 2025-12-03.

Conditions:
Familial thoracic aortic aneurysm and aortic dissection (TAAD). Also called: Thoracic aortic aneurysms and dissections. Identifiers: Orphanet 91387, MedGen C4707243, MONDO:0019625.
Arterial tortuosity syndrome (ATORS). Identifiers: Orphanet 3342, MedGen C1859726, MONDO:0008818, OMIM 208050.

Allele frequency attached by ClinVar (database versions not stated): gnomAD 0.00001; gnomAD exomes 0.00001; TOPMed 0.00002.

Submissions (3):

Labcorp Genetics (formerly Invitae), Labcorp
Classification: Likely benign for Arterial tortuosity syndrome. Last evaluated: 2025-12-03. Review status: criteria provided, single submitter. Criteria: Invitae Variant Classification Sherloc (09022015). Collection method: clinical testing. Allele origin: germline.

Ambry Genetics
Classification: Likely benign for Familial thoracic aortic aneurysm and aortic dissection. Last evaluated: 2024-03-19. Review status: criteria provided, single submitter. Criteria: Ambry Variant Classification Scheme 2023. Collection method: clinical testing. Allele origin: germline.

GeneDx
Classification: Likely benign. Last evaluated: 2018-04-11. Review status: criteria provided, single submitter. Criteria: GeneDx Variant Classification (06012015). Collection method: clinical testing. Allele origin: germline. Affected: yes.
Comment: This variant is considered likely benign or benign based on one or more of the following criteria: it is a conservative change, it occurs at a poorly conserved position in the protein, it is predicted to be benign by multiple in silico algorithms, and/or has population frequency not consistent with disease.